The following is an entry in ClinVar:

ClinVar aggregate classification (germline): Uncertain significance (1 of 4 stars; one submission).

Submission:

Mayo Clinic Laboratories, Mayo Clinic
Classification: Uncertain significance. Last evaluated: 2025-01-29. Review status: criteria provided, single submitter. Criteria: ACMG Guidelines, 2015. Collection method: clinical testing. Allele origin: germline. Observed: 1 variant allele.
Comment: PM2_supporting

NM_024312.5(GNPTAB):c.1811G>C (p.Ser604Thr)

Gene: GNPTAB (N-acetylglucosamine-1-phosphate transferase subunits alpha and beta; minus strand). Cytogenetic location: 12q23.2.
Variant type: single nucleotide variant.
Coding change: c.1811G>C on transcript NM_024312.5 (MANE Select); coding-DNA position 1811, G replaced by C.
Protein change: p.Ser604Thr; replaces serine 604 with threonine.
Molecular consequence: missense variant.
Genome position (GRCh38, 1-based): chr12:101,765,106, C>G on the plus strand (G>C on the coding strand, the complement: GNPTAB is on the minus strand). VCF-style: chr12-101765106-C-G. GRCh37 (hg19) VCF-style: chr12-102158884-C-G.
Other names: p.Ser604Thr; short protein forms S604T.
Identifiers: ClinVar variation 4541741 (VCV004541741.1).
Genomic context (GRCh38, chr12:101,765,106, plus strand): 5'-TCTTCATCGTTTGTATTTTGAAACGTGAGATTAAAATGTATTGTGGTGGCATTCATTCCA[C>G]TGTGCATTATGAGGTGGATGGTTTTCCACTTGTTGGCAATAGAAGCATGTCGAATTATTG-3'
Protein context (NP_077288.2, residues 594-614): KWKTIHLIMH[Ser604Thr]GMNATTIHFN